The following is an entry in ClinVar:

ClinVar aggregate classification (germline): Pathogenic/Likely pathogenic. Review status: criteria provided, multiple submitters, no conflicts (2 of 4 stars). 3 submissions from 3 submitters: Pathogenic (1); Likely pathogenic (2). Last evaluated 2026-03-13.

Conditions:
POLG-related disorder. Also called: POLG-Related Spectrum Disorders; POLG-related condition; POLG-Related Disorders. Identifiers: MedGen C4763519.
Progressive sclerosing poliodystrophy (MTDPS4A). Also called: Alpers Syndrome; Mitochondrial DNA depletion syndrome 4A (Alpers type); ALPERS PROGRESSIVE INFANTILE POLIODYSTROPHY; ALPERS DIFFUSE DEGENERATION OF CEREBRAL GRAY MATTER WITH HEPATIC CIRRHOSIS; Alpers-Huttenlocher Syndrome; NEURONAL DEGENERATION OF CHILDHOOD WITH LIVER DISEASE, PROGRESSIVE. Identifiers: Orphanet 726, MedGen C0205710, MONDO:0008758, OMIM 203700.

Submissions (3):

Myriad Genetics, Inc.
Classification: Likely pathogenic for POLG-related disorder. Last evaluated: 2026-03-13. Review status: criteria provided, single submitter. Criteria: Myriad Autosomal Dominant, Autosomal Recessive and X-Linked Classification Criteria (2023). Collection method: clinical testing. Allele origin: unknown.
Comment: NM_002693.2(POLG):c.3311C>G(S1104C) is a missense variant classified as likely pathogenic in the context of POLG-related disorders. S1104C has been observed in cases with relevant disease (PMID: 12707443, 19187065, 31521625, Moro_2025_(Poster)). Relevant functional assessments of this variant are not available in the literature. S1104C has been observed in referenced population frequency databases. In summary, NM_002693.2(POLG):c.3311C>G(S1104C) is a missense variant that has been observed more frequently in cases with the relevant disease than in healthy populations. Please note: this variant was assessed in the context of healthy population screening.

Labcorp Genetics (formerly Invitae), Labcorp
Classification: Pathogenic for Progressive sclerosing poliodystrophy. Last evaluated: 2024-09-03. Review status: criteria provided, single submitter. Criteria: Invitae Variant Classification Sherloc (09022015). Collection method: clinical testing. Allele origin: germline.
Comment: This sequence change replaces serine, which is neutral and polar, with cysteine, which is neutral and slightly polar, at codon 1104 of the POLG protein (p.Ser1104Cys). This variant is present in population databases (no rsID available, gnomAD 0.0009%). This missense change has been observed in individuals with autosomal recessive progressive external ophthalmoplegia (PEO) and/or progressive external ophthalmoplegia (PEO) (PMID: 12707443, 25724872, 31521625). Invitae Evidence Modeling of protein sequence and biophysical properties (such as structural, functional, and spatial information, amino acid conservation, physicochemical variation, residue mobility, and thermodynamic stability) indicates that this missense variant is expected to disrupt POLG protein function with a positive predictive value of 95%. Experimental studies have shown that this missense change affects POLG function (PMID: 20185557). This variant disrupts the p.Ser1104 amino acid residue in POLG. Other variant(s) that disrupt this residue have been observed in individuals with POLG-related conditions (PMID: 24725338), which suggests that this may be a clinically significant amino acid residue. For these reasons, this variant has been classified as Pathogenic.

Baylor Genetics
Classification: Likely pathogenic for Progressive sclerosing poliodystrophy. Last evaluated: 2023-03-17. Review status: criteria provided, single submitter. Criteria: ACMG Guidelines, 2015. Collection method: clinical testing. Allele origin: unknown.

Literature cited by the submitters: PubMed 12707443 (cited by Labcorp Genetics (formerly Invitae), Labcorp); PubMed 25724872 (cited by Labcorp Genetics (formerly Invitae), Labcorp); PubMed 31521625 (cited by Labcorp Genetics (formerly Invitae), Labcorp); PubMed 20185557 (cited by Labcorp Genetics (formerly Invitae), Labcorp); PubMed 24725338 (cited by Labcorp Genetics (formerly Invitae), Labcorp).

NM_002693.3(POLG):c.3311C>G (p.Ser1104Cys)

Gene: POLG (DNA polymerase gamma, catalytic subunit; minus strand). Cytogenetic location: 15q26.1.
Variant type: single nucleotide variant.
Coding change: c.3311C>G on transcript NM_002693.3 (MANE Select); coding-DNA position 3311, C replaced by G.
Protein change: p.Ser1104Cys; replaces serine 1104 with cysteine.
Molecular consequence: missense variant.
Genome position (GRCh38, 1-based): chr15:89,318,712, G>C on the plus strand (C>G on the coding strand, the complement: POLG is on the minus strand). VCF-style: chr15-89318712-G-C. GRCh37 (hg19) VCF-style: chr15-89861943-G-C.
Other names: c.3311C>G, p.Ser1104Cys (NM_001126131.2); short protein forms S1104C.
Identifiers: ClinVar variation 2677954 (VCV002677954.4), dbSNP rs1010372555, ClinGen allele CA393750072.